The following is an entry in ClinVar:

NM_021927.3(GUF1):c.67G>A (p.Ala23Thr)

Genes: GUF1 (GTP binding elongation factor GUF1; plus strand), LOC129992541 (ATAC-STARR-seq lymphoblastoid silent region 15397; plus strand). Cytogenetic location: 4p12.
Variant type: single nucleotide variant.
Coding change: c.67G>A on transcript NM_021927.3 (MANE Select); coding-DNA position 67, G replaced by A.
Protein change: p.Ala23Thr; replaces alanine 23 with threonine.
Molecular consequence: missense variant. On other transcripts: 5 prime UTR variant (2).
Genome position (GRCh38, 1-based): chr4:44,678,689, G>A. VCF-style: chr4-44678689-G-A. GRCh37 (hg19) VCF-style: chr4-44680706-G-A.
Other names: c.-902G>A (NM_001345867.2); c.67G>A, p.Ala23Thr (NM_001345868.2); c.-794G>A (NM_001345869.2); short protein forms A23T.
Identifiers: ClinVar variation 1930973 (VCV001930973.5), dbSNP rs567610700, ClinGen allele CA96514254.
Genomic context (GRCh38, chr4:44,678,689, plus strand): 5'-ACCCTCGTGGGTCGGGGCTGGGGGTGCGCACGCGCTCTCGCGCCACGAGCCACTGGGGCC[G>A]CGCTTCTGGTGGCCCCGGGGCCCCGGTCCGCGCCGACCCTTGGGGCTGCTCCAGAGTCCT-3'
Protein context (NP_068746.2, residues 13-33): RALAPRATGA[Ala23Thr]LLVAPGPRSA

ClinVar aggregate classification (germline): Uncertain significance (1 of 4 stars; one submission).

Submission:

Labcorp Genetics (formerly Invitae), Labcorp
Classification: Uncertain significance. Last evaluated: 2022-07-23. Review status: criteria provided, single submitter. Criteria: Invitae Variant Classification Sherloc (09022015). Collection method: clinical testing. Allele origin: germline.
Comment: In summary, the available evidence is currently insufficient to determine the role of this variant in disease. Therefore, it has been classified as a Variant of Uncertain Significance. Algorithms developed to predict the effect of missense changes on protein structure and function (SIFT, PolyPhen-2, Align-GVGD) all suggest that this variant is likely to be tolerated. This variant has not been reported in the literature in individuals affected with GUF1-related conditions. This variant is not present in population databases (gnomAD no frequency). This sequence change replaces alanine, which is neutral and non-polar, with threonine, which is neutral and polar, at codon 23 of the GUF1 protein (p.Ala23Thr).